The following is an entry in ClinVar:

ClinVar aggregate classification (germline): Likely benign. Review status: criteria provided, multiple submitters, no conflicts (2 of 4 stars). 5 submissions from 5 submitters: Likely benign (5). Last evaluated 2025-12-15.

Conditions:
DICER1-related disorder. Also called: DICER1-related condition.
DICER1-related tumor predisposition. Also called: DICER1 syndrome; DICER1-related pleuropulmonary blastoma cancer predisposition syndrome. Identifiers: Orphanet 284343, MedGen C3839822, MONDO:0100216.
Hereditary cancer-predisposing syndrome. Also called: Neoplastic Syndromes, Hereditary; Hereditary Cancer Syndrome; Tumor predisposition; Hereditary neoplastic syndrome. Identifiers: Orphanet 140162, MedGen C0027672, MeSH D009386, MONDO:0015356.

Allele frequency attached by ClinVar (database versions not stated): gnomAD below 0.00001 and 0.00005; TOPMed below 0.00001; gnomAD exomes 0.00011 and 0.00025; 1000 Genomes Project 0.00020; ExAC 0.00021; 1000 Genomes Project 30x 0.00031.
gnomAD v4.1: 167 of 1,614,034 alleles (0.01%); highest among the groups gnomAD compares: South Asian, 0.18%; 2 homozygotes.

Submissions (5):

Labcorp Genetics (formerly Invitae), Labcorp
Classification: Likely benign for DICER1-related tumor predisposition. Last evaluated: 2025-12-15. Review status: criteria provided, single submitter. Criteria: Invitae Variant Classification Sherloc (09022015). Collection method: clinical testing. Allele origin: germline.

PreventionGenetics, part of Exact Sciences
Classification: Likely benign for DICER1-related condition. Last evaluated: 2025-11-03. Review status: criteria provided, single submitter. Criteria: ACMG Guidelines, 2015. Collection method: clinical testing. Allele origin: germline.
Comment: This variant is classified as likely benign based on ACMG/AMP sequence variant interpretation guidelines (Richards et al. 2015 PMID: 25741868, with internal and published modifications).

Center for Genomic Medicine, Rigshospitalet, Copenhagen University Hospital
Classification: Likely benign. Last evaluated: 2025-03-04. Review status: criteria provided, single submitter. Criteria: ACMG Guidelines, 2015. Collection method: clinical testing. Allele origin: germline.

Ambry Genetics
Classification: Likely benign for Hereditary cancer-predisposing syndrome. Last evaluated: 2021-05-26. Review status: criteria provided, single submitter. Criteria: Ambry Variant Classification Scheme 2023. Collection method: clinical testing. Allele origin: germline.

Sema4
Classification: Likely benign for Hereditary cancer-predisposing syndrome. Last evaluated: 2021-05-03. Review status: criteria provided, single submitter. Criteria: Sema4 Curation Guidelines. Collection method: curation. Allele origin: germline.

Literature cited by the submitters: PubMed 26580448 (cited by Ambry Genetics).

NM_177438.3(DICER1):c.3851G>C (p.Gly1284Ala)

Gene: DICER1 (dicer 1, ribonuclease III; minus strand). Cytogenetic location: 14q32.13.
Variant type: single nucleotide variant.
Coding change: c.3851G>C on transcript NM_177438.3 (MANE Select); coding-DNA position 3851, G replaced by C.
Protein change: p.Gly1284Ala; replaces glycine 1284 with alanine.
Molecular consequence: missense variant.
Genome position (GRCh38, 1-based): chr14:95,103,545, C>G on the plus strand (G>C on the coding strand, the complement: DICER1 is on the minus strand). VCF-style: chr14-95103545-C-G. GRCh37 (hg19) VCF-style: chr14-95569882-C-G.
Other names: c.3851G>C, p.Gly1284Ala (NM_001195573.1, NM_001271282.3, NM_001291628.2 and 1 more transcripts); short protein forms G1284A.
Identifiers: ClinVar variation 479655 (VCV000479655.20), dbSNP rs563395930, ClinGen allele CA7330976.
Genomic context (GRCh38, chr14:95,103,545, plus strand): 5'-GACAGAGTCAAAGCCTGAAGAATAAGTCCAGGATTGGGGCCAAGAGTCCTTGAGGAGTAC[C>G]CAATAGAAGGGCTCTGCTCAGAATCCATCCTGCCCTTGAGCACTTGAATAGTGTCTGTCG-3'
Protein context (NP_803187.1, residues 1274-1294): RMDSEQSPSI[Gly1284Ala]YSSRTLGPNP